The following is an entry in ClinVar:

NM_000551.4(VHL):c.340+727T>G

Genes: VHL (von Hippel-Lindau tumor suppressor; plus strand), LOC107303340 (3p25 von Hippel-Lindau tumor suppressor, E3 ubiquitin protein ligase Alu-mediated recombination region; plus strand). Cytogenetic location: 3p25.3.
Variant type: single nucleotide variant.
Coding change: c.340+727T>G on transcript NM_000551.4 (MANE Select); 727 bases into the intron after coding-DNA position 340, T replaced by G.
Molecular consequence: intron variant. On other transcripts: synonymous variant (1).
Genome position (GRCh38, 1-based): chr3:10,142,914, T>G. VCF-style: chr3-10142914-T-G. GRCh37 (hg19) VCF-style: chr3-10184598-T-G.
Other names: c.492T>G, p.Thr164= (NM_001354723.2); c.340+727T>G (NM_198156.3); c.492T>G (NM_001354723.1).
Identifiers: ClinVar variation 864466 (VCV000864466.10), dbSNP rs996243576, ClinGen allele CA70046800.
Genomic context (GRCh38, chr3:10,142,914, plus strand): 5'-AACAAGCCAGGGTCATGTTGGCGCCGGAAGAGCCGACCGTGTGTGGCGTGGGAAATTGAC[T>G]TACCTGCCTGCTGGGAGATGGAGGGGTTGCGGTTGTGTGGTTTCAGTTAAGGAGCACTTC-3'

ClinVar aggregate classification (germline): Likely benign. Review status: criteria provided, single submitter (1 of 4 stars). 2 submissions from 2 submitters: Likely benign (1). 1 of the submissions does not count toward it. Last evaluated 2026-01-27.

Conditions:
Chuvash polycythemia. Also called: POLYCYTHEMIA, VHL-DEPENDENT. Identifiers: Orphanet 238557, MedGen C1837915, MONDO:0009892, OMIM 263400.
Von Hippel-Lindau syndrome (VHLS). Also called: VHL syndrome; von Hippel–Lindau syndrome; Von Hippel-Lindau. Identifiers: Orphanet 892, MedGen C0019562, MONDO:0008667, OMIM 193300. Disease mechanism: loss of function.
VHL-related disorder. Also called: VHL-related condition.

Allele frequency attached by ClinVar (database versions not stated): gnomAD 0.00011; TOPMed 0.00015; 1000 Genomes Project 30x 0.00031.
gnomAD v4.1: 16 of 152,644 alleles (0.01%); highest among the groups gnomAD compares: African/African-American, 0.039%; no homozygotes.

Submissions (2):

Labcorp Genetics (formerly Invitae), Labcorp
Classification: Likely benign for Von Hippel-Lindau syndrome; Chuvash polycythemia. Last evaluated: 2026-01-27. Review status: criteria provided, single submitter. Criteria: Invitae Variant Classification Sherloc (09022015). Collection method: clinical testing. Allele origin: germline.

PreventionGenetics, part of Exact Sciences
Classification: Likely benign for VHL-related condition. Last evaluated: 2023-07-06. Review status: no assertion criteria provided. Collection method: clinical testing. Allele origin: germline. Not counted in ClinVar's aggregate classification.
Comment: This variant is classified as likely benign based on ACMG/AMP sequence variant interpretation guidelines (Richards et al. 2015 PMID: 25741868, with internal and published modifications).